The following is an entry in ClinVar:

NM_004715.5(CTDP1):c.1419C>G (p.Ala473=)

Gene: CTDP1 (CTD phosphatase 1; plus strand). Cytogenetic location: 18q23.
Variant type: single nucleotide variant.
Coding change: c.1419C>G on transcript NM_004715.5 (MANE Select); coding-DNA position 1419, C replaced by G.
Protein change: p.Ala473=; no amino-acid change (alanine 473 retained).
Molecular consequence: synonymous variant.
Genome position (GRCh38, 1-based): chr18:79,714,879, C>G. VCF-style: chr18-79714879-C-G. GRCh37 (hg19) VCF-style: chr18-77474879-C-G.
Other names: c.1062C>G, p.Ala354= (NM_001202504.1); c.1419C>G, p.Ala473= (NM_001318511.2, NM_048368.4).
Identifiers: ClinVar variation 2648830 (VCV002648830.25), dbSNP rs1470313122, ClinGen allele CA504866890.

ClinVar aggregate classification (germline): Likely benign. Review status: criteria provided, single submitter (1 of 4 stars). 2 submissions from 2 submitters: Likely benign (1). 1 of the submissions does not count toward it. Last evaluated 2023-02-01.

Conditions:
CTDP1-related disorder. Also called: CTDP1-related condition.

Allele frequency attached by ClinVar (database versions not stated): gnomAD exomes 0.00001; TOPMed 0.00001.
gnomAD v4.1: 8 of 1,580,466 alleles (0.00051%); highest among the groups gnomAD compares: Non-Finnish European, 0.0006%; no homozygotes.

Submissions (2):

CeGaT Center for Human Genetics Tuebingen
Classification: Likely benign. Last evaluated: 2023-02-01. Review status: criteria provided, single submitter. Criteria: CeGaT Center For Human Genetics Tuebingen Variant Classification Criteria Version 2. Collection method: clinical testing. Allele origin: germline. Affected: yes. Observed: 1 variant allele.
Comment: CTDP1: BP4, BP7

PreventionGenetics, part of Exact Sciences
Classification: Likely benign for CTDP1-related condition. Last evaluated: 2022-04-07. Review status: no assertion criteria provided. Collection method: clinical testing. Allele origin: germline. Not counted in ClinVar's aggregate classification.
Comment: This variant is classified as likely benign based on ACMG/AMP sequence variant interpretation guidelines (Richards et al. 2015 PMID: 25741868, with internal and published modifications).